The following is an entry in ClinVar:

ClinVar aggregate classification (germline): Uncertain significance (1 of 4 stars; one submission).

Conditions:
Hereditary cancer-predisposing syndrome. Also called: Tumor predisposition; Hereditary neoplastic syndrome; Hereditary Cancer Syndrome; Neoplastic Syndromes, Hereditary. Identifiers: Orphanet 140162, MedGen C0027672, MeSH D009386, MONDO:0015356.

Submission:

Ambry Genetics
Classification: Uncertain significance for Hereditary cancer-predisposing syndrome. Last evaluated: 2025-04-23. Review status: criteria provided, single submitter. Criteria: Ambry Variant Classification Scheme 2023. Collection method: clinical testing. Allele origin: germline.
Comment: The p.V1372D variant (also known as c.4115T>A), located in coding exon 32 of the POLE gene, results from a T to A substitution at nucleotide position 4115. The valine at codon 1372 is replaced by aspartic acid, an amino acid with highly dissimilar properties. This amino acid position is conserved. In addition, the in silico prediction for this alteration is inconclusive. Based on the available evidence, the clinical significance of this variant remains unclear.

NM_006231.4(POLE):c.4115T>A (p.Val1372Asp)

Gene: POLE (DNA polymerase epsilon, catalytic subunit; minus strand). Cytogenetic location: 12q24.33.
Variant type: single nucleotide variant.
Coding change: c.4115T>A on transcript NM_006231.4 (MANE Select); coding-DNA position 4115, T replaced by A.
Protein change: p.Val1372Asp; replaces valine 1372 with aspartic acid.
Molecular consequence: missense variant.
Genome position (GRCh38, 1-based): chr12:132,648,963, A>T on the plus strand (T>A on the coding strand, the complement: POLE is on the minus strand). VCF-style: chr12-132648963-A-T. GRCh37 (hg19) VCF-style: chr12-133225549-A-T.
Other names: short protein forms V1372D.
Identifiers: ClinVar variation 3935747 (VCV003935747.1).